The following is an entry in ClinVar:

ClinVar aggregate classification (germline): Uncertain significance. Review status: criteria provided, multiple submitters, no conflicts (2 of 4 stars). 2 submissions from 2 submitters: Uncertain significance (2). Last evaluated 2025-07-22.

Conditions:
Charcot-Marie-Tooth disease dominant intermediate B (CMTDIB). Also called: CHARCOT-MARIE-TOOTH NEUROPATHY, DOMINANT INTERMEDIATE B; Charcot-Marie-Tooth disease dominant intermediate 1; CMT DI1; Charcot-Marie-Tooth disease dominant intermediate I. Identifiers: Orphanet 100044, Orphanet 228179, MedGen C1847902, MONDO:0011674, OMIM 606482.

Allele frequency attached by ClinVar (database versions not stated): gnomAD exomes 0.00002.
gnomAD v4.1: 31 of 1,614,146 alleles (0.0019%); highest among the groups gnomAD compares: Non-Finnish European, 0.0025%; no homozygotes.

Submissions (2):

Labcorp Genetics (formerly Invitae), Labcorp
Classification: Uncertain significance for Charcot-Marie-Tooth disease dominant intermediate B. Last evaluated: 2025-07-22. Review status: criteria provided, single submitter. Criteria: Invitae Variant Classification Sherloc (09022015). Collection method: clinical testing. Allele origin: germline.
Comment: This sequence change replaces arginine, which is basic and polar, with glutamine, which is neutral and polar, at codon 98 of the DNM2 protein (p.Arg98Gln). This variant is not present in population databases (gnomAD no frequency). This variant has not been reported in the literature in individuals affected with DNM2-related conditions. ClinVar contains an entry for this variant (Variation ID: 2440969). Invitae Evidence Modeling of protein sequence and biophysical properties (such as structural, functional, and spatial information, amino acid conservation, physicochemical variation, residue mobility, and thermodynamic stability) has been performed for this missense variant. However, the output from this modeling did not meet the statistical confidence thresholds required to predict the impact of this variant on DNM2 protein function. In summary, the available evidence is currently insufficient to determine the role of this variant in disease. Therefore, it has been classified as a Variant of Uncertain Significance.

Revvity Omics, Revvity
Classification: Uncertain significance. Last evaluated: 2019-01-31. Review status: criteria provided, single submitter. Criteria: ACMG Guidelines, 2015. Collection method: clinical testing. Allele origin: germline.

NM_001005361.3(DNM2):c.293G>A (p.Arg98Gln)

Gene: DNM2 (dynamin 2; plus strand). Cytogenetic location: 19p13.2.
Variant type: single nucleotide variant.
Coding change: c.293G>A on transcript NM_001005361.3 (MANE Select); coding-DNA position 293, G replaced by A.
Protein change: p.Arg98Gln; replaces arginine 98 with glutamine.
Molecular consequence: missense variant.
Genome position (GRCh38, 1-based): chr19:10,772,536, G>A. VCF-style: chr19-10772536-G-A. GRCh37 (hg19) VCF-style: chr19-10883212-G-A.
Other names: c.293G>A, p.Arg98Gln (NM_001005360.3, NM_001005362.3, NM_001190716.2 and 1 more transcripts); short protein forms R98Q.
Identifiers: ClinVar variation 2440969 (VCV002440969.4), dbSNP rs2513139772, ClinGen allele CA404041701.